The following is an entry in ClinVar:

NM_001042492.3(NF1):c.8231C>G (p.Pro2744Arg)

Gene: NF1 (neurofibromin 1; plus strand). Cytogenetic location: 17q11.2.
Variant type: single nucleotide variant.
Coding change: c.8231C>G on transcript NM_001042492.3 (MANE Select); coding-DNA position 8231, C replaced by G.
Protein change: p.Pro2744Arg; replaces proline 2744 with arginine.
Molecular consequence: missense variant.
Genome position (GRCh38, 1-based): chr17:31,360,557, C>G. VCF-style: chr17-31360557-C-G. GRCh37 (hg19) VCF-style: chr17-29687575-C-G.
Other names: c.8168C>G, p.Pro2723Arg (NM_000267.4); short protein forms P2723R, P2744R.
Identifiers: ClinVar variation 1909078 (VCV001909078.5), dbSNP rs2151587863, ClinGen allele CA399204609.

ClinVar aggregate classification (germline): Uncertain significance (1 of 4 stars; one submission).

Conditions:
Neurofibromatosis, type 1 (NF1). Also called: Peripheral type neurofibromatosis; Neurofibromatosis, type I; VON RECKLINGHAUSEN DISEASE; NEUROFIBROMATOSIS, TYPE I, SOMATIC. Identifiers: Orphanet 636, MedGen C0027831, MONDO:0018975, OMIM 162200. Disease mechanism: loss of function.

Submission:

Labcorp Genetics (formerly Invitae), Labcorp
Classification: Uncertain significance for Neurofibromatosis, type 1. Last evaluated: 2025-08-11. Review status: criteria provided, single submitter. Criteria: Invitae Variant Classification Sherloc (09022015). Collection method: clinical testing. Allele origin: germline.
Comment: This sequence change replaces proline, which is neutral and non-polar, with arginine, which is basic and polar, at codon 2723 of the NF1 protein (p.Pro2723Arg). This variant is not present in population databases (gnomAD no frequency). This variant has not been reported in the literature in individuals affected with NF1-related conditions. ClinVar contains an entry for this variant (Variation ID: 1909078). Invitae Evidence Modeling of protein sequence and biophysical properties (such as structural, functional, and spatial information, amino acid conservation, physicochemical variation, residue mobility, and thermodynamic stability) has been performed for this missense variant. However, the output from this modeling did not meet the statistical confidence thresholds required to predict the impact of this variant on NF1 protein function. In summary, the available evidence is currently insufficient to determine the role of this variant in disease. Therefore, it has been classified as a Variant of Uncertain Significance.